The following is an entry in ClinVar:

ClinVar aggregate classification (germline): Uncertain significance. Review status: criteria provided, multiple submitters, no conflicts (2 of 4 stars). 3 submissions from 3 submitters: Uncertain significance (2). 1 of the submissions does not count toward it. Last evaluated 2024-09-17.

Conditions:
NOTCH3-related disorder. Also called: NOTCH3-related disorders; NOTCH3-related condition.

Allele frequency attached by ClinVar (database versions not stated): gnomAD exomes 0.00001.

Submissions (3):

Athena Diagnostics
Classification: Uncertain significance. Last evaluated: 2024-09-17. Review status: criteria provided, single submitter. Criteria: Athena Diagnostics Criteria. Collection method: clinical testing. Allele origin: unknown.
Comment: Available data are insufficient to determine the clinical significance of the variant at this time. This variant has not been reported in large, multi-ethnic general populations. This variant has been seen where an alternate explanation for disease was also identified, suggesting this variant may not cause disease. Polyphen and MutationTaster predict this amino acid change may be benign. Greater than 90% of NOTCH3 pathogenic variants associated with CADASIL involve the gain or loss of a cysteine residue within the epidermal growth factor (EGF)-like repeat domain (PMID: 32457593, 20301673).

Labcorp Genetics (formerly Invitae), Labcorp
Classification: Uncertain significance. Last evaluated: 2021-09-05. Review status: criteria provided, single submitter. Criteria: Invitae Variant Classification Sherloc (09022015). Collection method: clinical testing. Allele origin: germline.
Comment: This sequence change replaces leucine with valine at codon 2187 of the NOTCH3 protein (p.Leu2187Val). The leucine residue is highly conserved and there is a small physicochemical difference between leucine and valine. The frequency data for this variant in the population databases is considered unreliable, as metrics indicate insufficient coverage at this position in the ExAC database. This variant has not been reported in the literature in individuals affected with NOTCH3-related conditions. Advanced modeling of protein sequence and biophysical properties (such as structural, functional, and spatial information, amino acid conservation, physicochemical variation, residue mobility, and thermodynamic stability) performed at Invitae indicates that this missense variant is not expected to disrupt NOTCH3 protein function. In summary, the available evidence is currently insufficient to determine the role of this variant in disease. Therefore, it has been classified as a Variant of Uncertain Significance.

PreventionGenetics, part of Exact Sciences
Classification: Uncertain significance for NOTCH3-related condition. Last evaluated: 2024-08-18. Review status: no assertion criteria provided. Collection method: clinical testing. Allele origin: germline. Not counted in ClinVar's aggregate classification.
Comment: The NOTCH3 c.6559C>G variant is predicted to result in the amino acid substitution p.Leu2187Val. To our knowledge, this variant has not been reported in the literature or in a large population database, indicating this variant is rare. At this time, the clinical significance of this variant is uncertain due to the absence of conclusive functional and genetic evidence.

NM_000435.3(NOTCH3):c.6559C>G (p.Leu2187Val)

Gene: NOTCH3 (notch receptor 3; minus strand). Cytogenetic location: 19p13.12.
Variant type: single nucleotide variant.
Coding change: c.6559C>G on transcript NM_000435.3 (MANE Select); coding-DNA position 6559, C replaced by G.
Protein change: p.Leu2187Val; replaces leucine 2187 with valine.
Molecular consequence: missense variant.
Genome position (GRCh38, 1-based): chr19:15,161,069, G>C on the plus strand (C>G on the coding strand, the complement: NOTCH3 is on the minus strand). VCF-style: chr19-15161069-G-C. GRCh37 (hg19) VCF-style: chr19-15271880-G-C.
Other names: c.6559C>G (NM_000435.2); short protein forms L2187V.
Identifiers: ClinVar variation 1402210 (VCV001402210.8), dbSNP rs969052177, ClinGen allele CA305758122.
Genomic context (GRCh38, chr19:15,161,069, plus strand): 5'-GCTCCTGCGGGGAGACGGGGGTCCCTGGGTTGAGCAGCTGGGGTCCCGGCGCCAGTGGCA[G>C]CAGGAACGAGGGGCCTGGAGGGGCAGGTGGGGGCAGCCGGGCCCAATCGAGGGGCACAGC-3'
Protein context (NP_000426.2, residues 2177-2197): PPAPPGPSFL[Leu2187Val]PLAPGPQLLN